The following is an entry in ClinVar:

NM_001987.5(ETV6):c.1138_1139del (p.Trp380fs)

Genes: ETV6 (ETS variant transcription factor 6; plus strand), LOC126861452 (CDK7 strongly-dependent group 2 enhancer GRCh37_chr12:12037195-12038394; plus strand). Cytogenetic location: 12p13.2.
Variant type: Microsatellite.
Coding change: c.1138_1139del on transcript NM_001987.5 (MANE Select); coding-DNA positions 1138 to 1139, 2 bases deleted (TG; older notation c.1138_1139delTG).
Protein change: p.Trp380fs; shifts the reading frame from tryptophan 380.
Molecular consequence: frameshift variant. On other transcripts: intron variant (1).
Genome position (GRCh38, 1-based): chr12:11,884,573-11,884,574, TG deleted; deleting any 2 consecutive bases within chr12:11,884,571-11,884,574 gives the same sequence; the c. name uses the placement nearest the transcript's 3' end. VCF-style (leftmost placement, unchanged base first): chr12-11884570-CTG-C. GRCh37 (hg19) VCF-style: chr12-12037504-CTG-C.
Other names: c.1135_1136del, p.Trp379fs (NM_001413913.1); c.1111_1112del, p.Trp371fs (NM_001413914.1); c.874_875del, p.Trp292fs (NM_001413915.1); c.1136_1137TG[1], p.Trp380Glyfs (NM_001987.4); c.1010-6368_1010-6367del (NM_001413917.1); c.1138_1139delTG (NM_001987.4); short protein forms W380fs, W292fs, W371fs, W379fs.
Identifiers: ClinVar variation 5036145 (VCV005036145.1).

ClinVar aggregate classification (germline): Pathogenic (1 of 4 stars; one submission).

Conditions:
Inborn genetic diseases. Identifiers: MedGen C0950123, MeSH D030342.

Submission:

Ambry Genetics
Classification: Pathogenic for Inborn genetic diseases. Last evaluated: 2026-06-24. Review status: criteria provided, single submitter. Criteria: Ambry Variant Classification Scheme 2023. Collection method: clinical testing. Allele origin: germline.
Comment: The c.1138_1139delTG pathogenic mutation, located in coding exon 6 of the ETV6 gene, results from a deletion of two nucleotides at nucleotide positions 1138 to 1139, causing a translational frameshift with a predicted alternate stop codon (p.W380Gfs*4). This variant is considered to be rare based on population cohorts in the Genome Aggregation Database (gnomAD). This alteration is expected to result in loss of function by premature protein truncation or nonsense-mediated mRNA decay. As such, this alteration is interpreted as a disease-causing mutation.